The following is an entry in ClinVar:

NM_001903.5(CTNNA1):c.105+6A>C

Gene: CTNNA1 (catenin alpha 1; plus strand). Cytogenetic location: 5q31.2.
Variant type: single nucleotide variant.
Coding change: c.105+6A>C on transcript NM_001903.5 (MANE Select); 6 bases into the intron after coding-DNA position 105, A replaced by C.
Molecular consequence: intron variant.
Genome position (GRCh38, 1-based): chr5:138,782,035, A>C. VCF-style: chr5-138782035-A-C. GRCh37 (hg19) VCF-style: chr5-138117724-A-C.
Other names: c.105+6A>C (NM_001323982.2, NM_001323984.2, NM_001290307.3 and 3 more transcripts); c.-102+6A>C (NM_001290310.3); c.-9+6A>C (NM_001290309.3).
Identifiers: ClinVar variation 847129 (VCV000847129.9), dbSNP rs1755168244, ClinGen allele CA916082779.

ClinVar aggregate classification (germline): Uncertain significance (1 of 4 stars; one submission).

Submission:

Labcorp Genetics (formerly Invitae), Labcorp
Classification: Uncertain significance. Last evaluated: 2025-07-02. Review status: criteria provided, single submitter. Criteria: Invitae Variant Classification Sherloc (09022015). Collection method: clinical testing. Allele origin: germline.
Comment: This sequence change falls in intron 2 of the CTNNA1 gene. It does not directly change the encoded amino acid sequence of the CTNNA1 protein. It affects a nucleotide within the consensus splice site. This variant is not present in population databases (gnomAD no frequency). This variant has not been reported in the literature in individuals affected with CTNNA1-related conditions. ClinVar contains an entry for this variant (Variation ID: 847129). Variants that disrupt the consensus splice site are a relatively common cause of aberrant splicing (PMID: 17576681, 9536098). Algorithms developed to predict the effect of sequence changes on RNA splicing suggest that this variant is not likely to affect RNA splicing. In summary, the available evidence is currently insufficient to determine the role of this variant in disease. Therefore, it has been classified as a Variant of Uncertain Significance.

Literature cited by the submitters: PubMed 17576681; PubMed 9536098.